The following is an entry in ClinVar:

ClinVar aggregate classification (germline): Pathogenic (1 of 4 stars; one submission).

Conditions:
Deficiency of UDPglucose-hexose-1-phosphate uridylyltransferase. Also called: GALACTOSE-1-PHOSPHATE URIDYLYLTRANSFERASE DEFICIENCY; GALT deficiency; Galactosemia, classic; Transferase Deficiency Galactosemia; GALACTOSEMIA I. Identifiers: Orphanet 352, Orphanet 79239, MedGen C0268151, MONDO:0009258, OMIM 230400.

Submission:

Labcorp Genetics (formerly Invitae), Labcorp
Classification: Pathogenic for Deficiency of UDPglucose-hexose-1-phosphate uridylyltransferase. Last evaluated: 2023-01-12. Review status: criteria provided, single submitter. Criteria: Invitae Variant Classification Sherloc (09022015). Collection method: clinical testing. Allele origin: germline.
Comment: For these reasons, this variant has been classified as Pathogenic. Algorithms developed to predict the effect of sequence changes on RNA splicing suggest that this variant may disrupt the consensus splice site. This variant has not been reported in the literature in individuals affected with GALT-related conditions. This variant is not present in population databases (gnomAD no frequency). This sequence change creates a premature translational stop signal (p.Gln88Profs*4) in the GALT gene. It is expected to result in an absent or disrupted protein product. Loss-of-function variants in GALT are known to be pathogenic (PMID: 22944367).

Literature cited by the submitters: PubMed 22944367.

NM_000155.4(GALT):c.262dup (p.Gln88fs)

Gene: GALT (galactose-1-phosphate uridylyltransferase; plus strand). Cytogenetic location: 9p13.3.
Variant type: Duplication.
Coding change: c.262dup on transcript NM_000155.4 (MANE Select); coding-DNA position 262, one base duplicated (C; older notation c.262dupC).
Protein change: p.Gln88fs; shifts the reading frame from glutamine 88.
Molecular consequence: frameshift variant. On other transcripts: intron variant (1).
Genome position (GRCh38, 1-based): chr9:34,647,501, C duplicated; the last of 4 consecutive C bases (chr9:34,647,498-34,647,501); duplicating any one gives the same sequence. VCF-style (leftmost placement, unchanged base first): chr9-34647497-T-TC. GRCh37 (hg19) VCF-style: chr9-34647494-T-TC.
Other names: c.50+243dup (NM_001258332.2); short protein forms Q88fs.
Identifiers: ClinVar variation 2827973 (VCV002827973.3), dbSNP rs2492863993, ClinGen allele CA2739265807.
Genomic context (GRCh38, chr9:34,647,497, plus strand): 5'-CCAGGTAACTGGTGGTATGGGGCAGTGAGTGCTTCTAGCCTATCCTTGTCGGTAGGTGAA[T>TC]CCCCAGTACGATAGCACCTTCCTGTTTGACAACGACTTCCCAGCTCTGCAGCCTGATGCC-3'